The following is an entry in ClinVar:

ClinVar aggregate classification (germline): Uncertain significance (1 of 4 stars; one submission).

Allele frequency attached by ClinVar (database versions not stated): gnomAD exomes below 0.00001 and 0.00003; gnomAD 0.00001; TOPMed 0.00002.
gnomAD v4.1: 37 of 1,602,842 alleles (0.0023%); highest among the groups gnomAD compares: Non-Finnish European, 0.0031%; no homozygotes.

Submission:

Labcorp Genetics (formerly Invitae), Labcorp
Classification: Uncertain significance. Last evaluated: 2024-01-18. Review status: criteria provided, single submitter. Criteria: Invitae Variant Classification Sherloc (09022015). Collection method: clinical testing. Allele origin: germline.
Comment: This sequence change replaces glycine, which is neutral and non-polar, with aspartic acid, which is acidic and polar, at codon 443 of the FSCN2 protein (p.Gly443Asp). This variant is present in population databases (no rsID available, gnomAD 0.001%). This variant has not been reported in the literature in individuals affected with FSCN2-related conditions. ClinVar contains an entry for this variant (Variation ID: 862470). An algorithm developed to predict the effect of missense changes on protein structure and function (PolyPhen-2) suggests that this variant is likely to be disruptive. In summary, the available evidence is currently insufficient to determine the role of this variant in disease. Therefore, it has been classified as a Variant of Uncertain Significance.

NM_012418.4(FSCN2):c.1256G>A (p.Gly419Asp)

Gene: FSCN2 (fascin actin-bundling protein 2, retinal; plus strand). Cytogenetic location: 17q25.3.
Variant type: single nucleotide variant.
Coding change: c.1256G>A on transcript NM_012418.4 (MANE Select); coding-DNA position 1256, G replaced by A.
Protein change: p.Gly419Asp; replaces glycine 419 with aspartic acid.
Molecular consequence: missense variant.
Genome position (GRCh38, 1-based): chr17:81,536,772, G>A. VCF-style: chr17-81536772-G-A. GRCh37 (hg19) VCF-style: chr17-79503798-G-A.
Other names: c.1328G>A, p.Gly443Asp (NM_001077182.3); short protein forms G443D, G419D.
Identifiers: ClinVar variation 862470 (VCV000862470.11), dbSNP rs926294634, ClinGen allele CA295085476.
Genomic context (GRCh38, chr17:81,536,772, plus strand): 5'-CCAACCAGCTGGACACCAACCGCTCCGTCTACGACGTCTTCCACCTGAGCTTCAGCGACG[G>A]CGCCTACCGGATCCGAGGTGCGTGGCGGGGCGGGTGGGCACGCGGGAGCGGGGGTGGCAG-3'
Protein context (NP_036550.1, residues 409-429): YDVFHLSFSD[Gly419Asp]AYRIRGRDGG